The following is an entry in ClinVar:

NM_000346.4(SOX9):c.787G>A (p.Gly263Ser)

Gene: SOX9 (SRY-box transcription factor 9; plus strand). Cytogenetic location: 17q24.3.
Variant type: single nucleotide variant.
Coding change: c.787G>A on transcript NM_000346.4 (MANE Select); coding-DNA position 787, G replaced by A.
Protein change: p.Gly263Ser; replaces glycine 263 with serine.
Molecular consequence: missense variant.
Genome position (GRCh38, 1-based): chr17:72,123,644, G>A. VCF-style: chr17-72123644-G-A. GRCh37 (hg19) VCF-style: chr17-70119785-G-A.
Other names: short protein forms G263S.
Identifiers: ClinVar variation 1018605 (VCV001018605.9), dbSNP rs752926968, ClinGen allele CA8739025.
Genomic context (GRCh38, chr17:72,123,644, plus strand): 5'-ACCGACGTGCAGCCGGGCAAGGCTGACCTGAAGCGAGAGGGGCGCCCCTTGCCAGAGGGG[G>A]GCAGACAGCCCCCTATCGACTTCCGCGACGTGGACATCGGCGAGCTGAGCAGCGACGTCA-3'
Protein context (NP_000337.1, residues 253-273): KREGRPLPEG[Gly263Ser]RQPPIDFRDV

ClinVar aggregate classification (germline): Uncertain significance (1 of 4 stars; one submission).

Conditions:
Camptomelic dysplasia (CMPD). Also called: CMPD1/SRA1; Campomelic Dysplasia. Identifiers: Orphanet 140, MedGen C1861922, MONDO:0007251, OMIM 114290.

Allele frequency attached by ClinVar (database versions not stated): ExAC 0.00001; gnomAD 0.00001; gnomAD exomes 0.00001; TOPMed 0.00001.

Submission:

Labcorp Genetics (formerly Invitae), Labcorp
Classification: Uncertain significance for Camptomelic dysplasia. Last evaluated: 2020-07-21. Review status: criteria provided, single submitter. Criteria: Invitae Variant Classification Sherloc (09022015). Collection method: clinical testing. Allele origin: germline.
Comment: Algorithms developed to predict the effect of missense changes on protein structure and function are either unavailable or do not agree on the potential impact of this missense change (SIFT: "Tolerated"; PolyPhen-2: "Possibly Damaging"; Align-GVGD: "Class C0"). In summary, the available evidence is currently insufficient to determine the role of this variant in disease. Therefore, it has been classified as a Variant of Uncertain Significance. This variant has not been reported in the literature in individuals with SOX9-related conditions. This variant is present in population databases (rs752926968, ExAC 0.002%). This sequence change replaces glycine with serine at codon 263 of the SOX9 protein (p.Gly263Ser). The glycine residue is highly conserved and there is a small physicochemical difference between glycine and serine.